The following is an entry in ClinVar:

NM_005732.4(RAD50):c.3510_3578dup (p.Glu1171_Thr1193dup)

Genes: TH2LCRR (T helper type 2 locus control region associated RNA; minus strand), TH2-LCR (Th2 cytokine locus control region; plus strand), RAD50 (RAD50 double strand break repair protein; plus strand). Cytogenetic location: 5q31.1.
Variant type: Duplication.
Coding change: c.3510_3578dup on transcript NM_005732.4 (MANE Select); coding-DNA positions 3510 to 3578, 69 bases duplicated.
Protein change: p.Glu1171_Thr1193dup.
Molecular consequence: inframe insertion. On other transcripts: non-coding transcript variant (2).
Genome position (GRCh38, 1-based): chr5:132,638,115-132,638,183, 69 bases duplicated. GRCh37 (hg19): chr5:131,973,807-131,973,875.
Identifiers: ClinVar variation 230856 (VCV000230856.3), dbSNP rs1554100946, ClinGen allele CA10578604.

ClinVar aggregate classification (germline): Uncertain significance (1 of 4 stars; one submission).

Conditions:
Hereditary cancer-predisposing syndrome. Also called: Neoplastic Syndromes, Hereditary; Tumor predisposition; Hereditary Cancer Syndrome; Hereditary neoplastic syndrome. Identifiers: Orphanet 140162, MedGen C0027672, MeSH D009386, MONDO:0015356.

Submission:

Ambry Genetics
Classification: Uncertain significance for Hereditary cancer-predisposing syndrome. Last evaluated: 2015-02-25. Review status: criteria provided, single submitter. Criteria: Ambry Autosomal Dominant and X-Linked criteria (10/2015). Collection method: clinical testing. Allele origin: germline. Observed: 1 variant allele.
Comment: The c.3510_3578dup69 variant located in coding exon 23 of the RAD50 gene, results from an in-frame duplication at positions 3510 to 3578 and causes the insertion of 23 amino acids. Since supporting evidence is limited at this time, the clinical significance of c.3510_3578dup69 remains unclear.